The following is an entry in ClinVar:

ClinVar aggregate classification (germline): Uncertain significance. Review status: criteria provided, multiple submitters, no conflicts (2 of 4 stars). 2 submissions from 2 submitters: Uncertain significance (2). Last evaluated 2025-04-25.

Conditions:
Inborn genetic diseases. Identifiers: MedGen C0950123, MeSH D030342.

Allele frequency attached by ClinVar (database versions not stated): gnomAD 0.00001; gnomAD exomes 0.00001; TOPMed 0.00001.

Submissions (2):

GeneDx
Classification: Uncertain significance. Last evaluated: 2025-04-25. Review status: criteria provided, single submitter. Criteria: GeneDx Variant Classification Process June 2021. Collection method: clinical testing. Allele origin: germline. Affected: yes.
Comment: In silico analysis supports that this missense variant has a deleterious effect on protein structure/function; In silico analysis suggests this variant may impact gene splicing. In the absence of RNA/functional studies, the actual effect of this sequence change is unknown.; Has not been previously published as pathogenic or benign to our knowledge

Ambry Genetics
Classification: Uncertain significance for Inborn genetic diseases. Last evaluated: 2023-10-17. Review status: criteria provided, single submitter. Criteria: Ambry Variant Classification Scheme 2023. Collection method: clinical testing. Allele origin: germline.

NM_001080453.3(INTS1):c.4775A>G (p.Glu1592Gly)

Gene: INTS1 (integrator complex subunit 1; minus strand). Cytogenetic location: 7p22.3.
Variant type: single nucleotide variant.
Coding change: c.4775A>G on transcript NM_001080453.3 (MANE Select); coding-DNA position 4775, A replaced by G.
Protein change: p.Glu1592Gly; replaces glutamic acid 1592 with glycine.
Molecular consequence: missense variant.
Genome position (GRCh38, 1-based): chr7:1,477,792, T>C on the plus strand (A>G on the coding strand, the complement: INTS1 is on the minus strand). VCF-style: chr7-1477792-T-C. GRCh37 (hg19) VCF-style: chr7-1517428-T-C.
Other names: c.1292A>G, p.Glu431Gly (NM_015674.1); short protein forms E431G, E1592G.
Identifiers: ClinVar variation 3110050 (VCV003110050.2), dbSNP rs1292420820, ClinGen allele CA366585061.